The following is an entry in ClinVar:

NM_000038.6(APC):c.4190A>G (p.Glu1397Gly)

Gene: APC (APC regulator of Wnt signaling pathway; plus strand). Cytogenetic location: 5q22.2.
Variant type: single nucleotide variant.
Coding change: c.4190A>G on transcript NM_000038.6 (MANE Select); coding-DNA position 4190, A replaced by G.
Protein change: p.Glu1397Gly; replaces glutamic acid 1397 with glycine.
Molecular consequence: missense variant.
Genome position (GRCh38, 1-based): chr5:112,839,784, A>G. VCF-style: chr5-112839784-A-G. GRCh37 (hg19) VCF-style: chr5-112175481-A-G.
Other names: c.4190A>G, p.Glu1397Gly (NM_001127510.3, NM_001354895.2, NM_001407450.1); c.4136A>G, p.Glu1379Gly (NM_001127511.3); c.4244A>G, p.Glu1415Gly (NM_001354896.2, NM_001407447.1, NM_001407448.1 and 1 more transcripts); c.4220A>G, p.Glu1407Gly (NM_001354897.2); c.4115A>G, p.Glu1372Gly (NM_001354898.2); c.4106A>G, p.Glu1369Gly (NM_001354899.2); c.4067A>G, p.Glu1356Gly (NM_001354900.2); c.4013A>G, p.Glu1338Gly (NM_001354901.2, NM_001407453.1); and 11 more; short protein forms E1114G, E1372G, E1407G, E1415G, E1296G, E1306G, E1314G, E1338G.
Identifiers: ClinVar variation 1738569 (VCV001738569.2), dbSNP rs2149908626, ClinGen allele CA16030514.

ClinVar aggregate classification (germline): Uncertain significance (1 of 4 stars; one submission).

Conditions:
Hereditary cancer-predisposing syndrome. Also called: Hereditary Cancer Syndrome; Hereditary neoplastic syndrome; Neoplastic Syndromes, Hereditary; Tumor predisposition. Identifiers: Orphanet 140162, MedGen C0027672, MeSH D009386, MONDO:0015356.

Submission:

Ambry Genetics
Classification: Uncertain significance for Hereditary cancer-predisposing syndrome. Last evaluated: 2022-02-12. Review status: criteria provided, single submitter. Criteria: Ambry Variant Classification Scheme 2023. Collection method: clinical testing. Allele origin: germline.
Comment: The p.E1397G variant (also known as c.4190A>G), located in coding exon 15 of the APC gene, results from an A to G substitution at nucleotide position 4190. The glutamic acid at codon 1397 is replaced by glycine, an amino acid with similar properties. This amino acid position is well conserved in available vertebrate species. In addition, in silico predictors for this gene do not accurately predict pathogenicity. Since supporting evidence is limited at this time, the clinical significance of this alteration remains unclear.